The following is an entry in ClinVar:

ClinVar aggregate classification (germline): Benign (1 of 4 stars; one submission).

Allele frequency attached by ClinVar (database versions not stated): gnomAD 0.31765 and 0.32251; TOPMed 0.33258; 1000 Genomes Project 30x 0.40162; 1000 Genomes Project 0.40595.
gnomAD v4.1: 47,397 of 147,072 alleles (32%); highest among the groups gnomAD compares: South Asian, 46%; 8,041 homozygotes.

Submission:

GeneDx
Classification: Benign. Last evaluated: 2018-06-14. Review status: criteria provided, single submitter. Criteria: GeneDx Variant Classification (06012015). Collection method: clinical testing. Allele origin: germline. Affected: yes.
Comment: This variant is considered likely benign or benign based on one or more of the following criteria: it is a conservative change, it occurs at a poorly conserved position in the protein, it is predicted to be benign by multiple in silico algorithms, and/or has population frequency not consistent with disease.

NM_000540.3(RYR1):c.8816+171C>A

Gene: RYR1 (ryanodine receptor 1; plus strand). Cytogenetic location: 19q13.2.
Variant type: single nucleotide variant.
Coding change: c.8816+171C>A on transcript NM_000540.3 (MANE Select); 171 bases into the intron after coding-DNA position 8816, C replaced by A.
Molecular consequence: intron variant.
Genome position (GRCh38, 1-based): chr19:38,507,123, C>A. VCF-style: chr19-38507123-C-A. GRCh37 (hg19) VCF-style: chr19-38997763-C-A.
Other names: c.8816+171C>A (NM_001042723.2).
Identifiers: ClinVar variation 669247 (VCV000669247.1), dbSNP rs2960348, ClinGen allele CA16572081.
Genomic context (GRCh38, chr19:38,507,123, plus strand): 5'-GCAAAGATGGAACCAGAGGGGAGGAGCTAAGGGAGTGGGGCCTGGACACAGAGGCGGGGC[C>A]AGATGGGGAGGAGTTCGAAATGGGCGGGGCTTAAGCACAGGCGGGACCAGAGAGGAGAGG-3'